The following is an entry in ClinVar:

ClinVar aggregate classification (germline): Pathogenic (1 of 4 stars; one submission).

Conditions:
Intellectual developmental disorder, X-linked 1. Also called: Atkin Flaitz Patil Smith syndrome; Intellectual disability, X-linked 1; MENTAL RETARDATION, X-LINKED 18; MENTAL RETARDATION, X-LINKED 78. Identifiers: Orphanet 777, MedGen C2931498, MONDO:0010656, OMIM 309530.

Submission:

Labcorp Genetics (formerly Invitae), Labcorp
Classification: Pathogenic for Intellectual developmental disorder, X-linked 1. Last evaluated: 2020-03-10. Review status: criteria provided, single submitter. Criteria: Invitae Variant Classification Sherloc (09022015). Collection method: clinical testing. Allele origin: germline.
Comment: This variant has not been reported in the literature in individuals with IQSEC2-related conditions. For these reasons, this variant has been classified as Pathogenic. Loss-of-function variants in IQSEC2 are known to be pathogenic (PMID: 21686261, 26793055, 27665735). This variant is not present in population databases (ExAC no frequency). This sequence change creates a premature translational stop signal (p.Pro642Argfs*80) in the IQSEC2 gene. It is expected to result in an absent or disrupted protein product.

Literature cited by the submitters: PubMed 21686261; PubMed 26793055; PubMed 27665735.

NM_001111125.3(IQSEC2):c.1925del (p.Pro642fs)

Gene: IQSEC2 (IQ motif and Sec7 domain ArfGEF 2; minus strand). Cytogenetic location: Xp11.22.
Variant type: Deletion.
Coding change: c.1925del on transcript NM_001111125.3 (MANE Select); coding-DNA position 1925, one base deleted (C; older notation c.1925delC).
Protein change: p.Pro642fs; shifts the reading frame from proline 642.
Molecular consequence: frameshift variant.
Genome position (GRCh38, 1-based): chrX:53,250,651, G deleted on the plus strand (C on the coding strand, the reverse complement: IQSEC2 is on the minus strand); the first of 4 consecutive G bases (chrX:53,250,651-53,250,654); deleting any one gives the same sequence. VCF-style (leftmost placement, unchanged base first): chrX-53250650-CG-C. GRCh37 (hg19) VCF-style: chrX-53279832-CG-C.
Other names: c.1310del, p.Pro437fs (NM_015075.2); short protein forms P437fs, P642fs.
Identifiers: ClinVar variation 1071797 (VCV001071797.7), dbSNP rs1556863165, ClinGen allele CA2499226789.